The following is an entry in ClinVar:

ClinVar aggregate classification (germline): Pathogenic (1 of 4 stars; one submission).

Conditions:
Hypercholesterolemia, familial, 4 (FHCL4). Also called: HYPERCHOLESTEROLEMIA, AUTOSOMAL RECESSIVE, 1; HYPERCHOLESTEROLEMIA, AUTOSOMAL RECESSIVE, 2. Identifiers: Orphanet 391665, MedGen C1863512, MONDO:0011374, OMIM 603813.

Submission:

Labcorp Genetics (formerly Invitae), Labcorp
Classification: Pathogenic for Hypercholesterolemia, familial, 4. Last evaluated: 2024-01-29. Review status: criteria provided, single submitter. Criteria: Invitae Variant Classification Sherloc (09022015). Collection method: clinical testing. Allele origin: germline.
Comment: This sequence change creates a premature translational stop signal (p.Lys19Glyfs*29) in the LDLRAP1 gene. It is expected to result in an absent or disrupted protein product. Loss-of-function variants in LDLRAP1 are known to be pathogenic (PMID: 11326085, 12464675). This variant is not present in population databases (gnomAD no frequency). This variant has not been reported in the literature in individuals affected with LDLRAP1-related conditions. For these reasons, this variant has been classified as Pathogenic.

Literature cited by the submitters: PubMed 11326085; PubMed 12464675.

NM_015627.3(LDLRAP1):c.55_79del (p.Lys19fs)

Genes: LDLRAP1 (low density lipoprotein receptor adaptor protein 1; plus strand), LOC129929773 (ATAC-STARR-seq lymphoblastoid silent region 456; plus strand). Cytogenetic location: 1p36.11.
Variant type: Deletion.
Coding change: c.55_79del on transcript NM_015627.3 (MANE Select); coding-DNA positions 55 to 79, 25 bases deleted (AAGCAGAGCTGGGGGGGCGGTGGCC).
Protein change: p.Lys19fs; shifts the reading frame from lysine 19.
Molecular consequence: frameshift variant.
Genome position (GRCh38, 1-based): chr1:25,543,753-25,543,777, AAGCAGAGCTGGGGGGGCGGTGGCC deleted; deleting any 25 consecutive bases within chr1:25,543,748-25,543,777 gives the same sequence; the c. name uses the placement nearest the transcript's 3' end. VCF-style (leftmost placement, unchanged base first): chr1-25543747-TTGGCCAAGCAGAGCTGGGGGGGCGG-T. GRCh37 (hg19) VCF-style: chr1-25870238-TTGGCCAAGCAGAGCTGGGGGGGCGG-T.
Other names: short protein forms K19fs.
Identifiers: ClinVar variation 3633064 (VCV003633064.2).